The following is an entry in ClinVar:

ClinVar aggregate classification (germline): Uncertain significance. Review status: criteria provided, multiple submitters, no conflicts (2 of 4 stars). 2 submissions from 2 submitters: Uncertain significance (2). Last evaluated 2021-03-18.

Allele frequency attached by ClinVar (database versions not stated): gnomAD exomes below 0.00001.
gnomAD v4.1: 1 of 1,613,816 alleles (0.000062%); highest among the groups gnomAD compares: Non-Finnish European, 0.000085%; no homozygotes.

Submissions (2):

Blueprint Genetics
Classification: Uncertain significance. Last evaluated: 2021-03-18. Review status: criteria provided, single submitter. Criteria: ACMG Guidelines, 2015. Collection method: clinical testing. Allele origin: germline.

Laboratory for Molecular Medicine, Mass General Brigham Personalized Medicine
Classification: Uncertain significance. Last evaluated: 2013-08-14. Review status: criteria provided, single submitter. Criteria: LMM Criteria. Collection method: clinical testing. Allele origin: germline. Observed: 1 variant allele.
Comment: The Phe3630Leu variant in TTN has not been reported in individuals with cardiomy opathy or in large population studies. Computational analyses are limited or una vailable for this variant. Additional information is needed to fully assess the clinical significance of this variant.

NM_001267550.2(TTN):c.11602T>C (p.Phe3868Leu)

Gene: TTN (titin; minus strand). Cytogenetic location: 2q31.2.
Variant type: single nucleotide variant.
Coding change: c.11602T>C on transcript NM_001267550.2 (MANE Select); coding-DNA position 11602, T replaced by C.
Protein change: p.Phe3868Leu; replaces phenylalanine 3868 with leucine.
Molecular consequence: missense variant. On other transcripts: intron variant (1).
Genome position (GRCh38, 1-based): chr2:178,741,631, A>G on the plus strand (T>C on the coding strand, the complement: TTN is on the minus strand). VCF-style: chr2-178741631-A-G. GRCh37 (hg19) VCF-style: chr2-179606358-A-G.
Other names: c.10888T>C, p.Phe3630Leu (NM_133432.3); c.10651T>C, p.Phe3551Leu (NM_001256850.1); c.10513T>C, p.Phe3505Leu (NM_003319.4); c.11089T>C, p.Phe3697Leu (NM_133437.4); c.10361-3271T>C (NM_133378.4); short protein forms F3630L, F3868L, F3505L, F3697L, F3551L.
Identifiers: ClinVar variation 179197 (VCV000179197.6), dbSNP rs727504700, ClinGen allele CA183935.
Genomic context (GRCh38, chr2:178,741,631, plus strand): 5'-CCTCATCCTCCAATTTGGTGAACAGAATGATCAGGCTATGATCATCACCGTCAAAAACAA[A>G]TTTGTAGTCAGCAGAAGGGGTTAATAGCACTCCATTAAAGAACCACTGAATTTTAGGTTT-3'
Protein context (NP_001254479.2, residues 3858-3878): VLLTPSADYK[Phe3868Leu]VFDGDDHSLI